The following is an entry in ClinVar:

NM_003079.5(SMARCE1):c.336del (p.Lys112fs)

Gene: SMARCE1 (SWI/SNF related BAF chromatin remodeling complex subunit E1; minus strand). Cytogenetic location: 17q21.2.
Variant type: Deletion.
Coding change: c.336del on transcript NM_003079.5 (MANE Select); coding-DNA position 336, one base deleted (A; older notation c.336delA).
Protein change: p.Lys112fs; shifts the reading frame from lysine 112.
Molecular consequence: frameshift variant.
Genome position (GRCh38, 1-based): chr17:40,636,428, T deleted on the plus strand (A on the coding strand, the reverse complement: SMARCE1 is on the minus strand); the first of 5 consecutive T bases (chr17:40,636,428-40,636,432); deleting any one gives the same sequence. VCF-style (leftmost placement, unchanged base first): chr17-40636427-GT-G. GRCh37 (hg19) VCF-style: chr17-38792679-GT-G.
Other names: c.336delA (NM_003079.4); short protein forms K112fs.
Identifiers: ClinVar variation 4826347 (VCV004826347.1).
Genomic context (GRCh38, chr17:40,636,427, plus strand): 5'-TCTATCCCACTGTGAGCCCCTACCCTACCTTTTCTGCTTCGTATTCGTTTAAATATTCTT[GT>G]TTTTCTTCATCAGTGAGATCTCGCCACATGCCACCAATAATCTTGCCAATCTCCCACAAC-3'

ClinVar aggregate classification (germline): Pathogenic (1 of 4 stars; one submission).

Conditions:
Hereditary cancer-predisposing syndrome. Also called: Neoplastic Syndromes, Hereditary; Tumor predisposition; Hereditary Cancer Syndrome; Hereditary neoplastic syndrome. Identifiers: Orphanet 140162, MedGen C0027672, MeSH D009386, MONDO:0015356.

Submission:

Ambry Genetics
Classification: Pathogenic for Hereditary cancer-predisposing syndrome. Last evaluated: 2026-03-02. Review status: criteria provided, single submitter. Criteria: Ambry Variant Classification Scheme 2023. Collection method: clinical testing. Allele origin: germline.
Comment: The c.336delA pathogenic mutation, located in coding exon 5 of the SMARCE1 gene, results from a deletion of one nucleotide at nucleotide position 336, causing a translational frameshift with a predicted alternate stop codon (p.K112Nfs*5). This alteration is expected to result in loss of function by premature protein truncation or nonsense-mediated mRNA decay. Loss-of-function variants in SMARCE1 are known to cause increased risk of meningiomas; however, such associations with neurodevelopmental disorders are exceedingly rare (Kosho T et al. Am J Med Genet C Semin Med Genet. 2014 Sep;166C(3):262-75; Smith JM et al. Nat Genet. 2013 Mar;45(3):295-8). Based on the supporting evidence, this variant is pathogenic for an increased risk of meningiomas; however, the association of this variant with an increased risk of Coffin-Siris syndrome is unlikely.